The following is an entry in ClinVar:

NM_020297.4(ABCC9):c.712G>C (p.Ala238Pro)

Gene: ABCC9 (ATP binding cassette subfamily C member 9; minus strand). Cytogenetic location: 12p12.1.
Variant type: single nucleotide variant.
Coding change: c.712G>C on transcript NM_020297.4 (MANE Select); coding-DNA position 712, G replaced by C.
Protein change: p.Ala238Pro; replaces alanine 238 with proline.
Molecular consequence: missense variant. On other transcripts: intron variant (1).
Genome position (GRCh38, 1-based): chr12:21,915,772, C>G on the plus strand (G>C on the coding strand, the complement: ABCC9 is on the minus strand). VCF-style: chr12-21915772-C-G. GRCh37 (hg19) VCF-style: chr12-22068706-C-G.
Other names: c.712G>C, p.Ala238Pro (NM_001377273.1, NM_005691.4); c.-48-2706G>C (NM_001377274.1); short protein forms A238P.
Identifiers: ClinVar variation 2010010 (VCV002010010.4), dbSNP rs2541735922, ClinGen allele CA384124050.

ClinVar aggregate classification (germline): Uncertain significance (1 of 4 stars; one submission).

Conditions:
Dilated cardiomyopathy 1O (CMD1O). Also called: CARDIOMYOPATHY, DILATED, WITH VENTRICULAR TACHYCARDIA. Identifiers: Orphanet 154, MedGen C1837839, MONDO:0012062, OMIM 608569.

Submission:

Labcorp Genetics (formerly Invitae), Labcorp
Classification: Uncertain significance for Dilated cardiomyopathy 1O. Last evaluated: 2023-04-25. Review status: criteria provided, single submitter. Criteria: Invitae Variant Classification Sherloc (09022015). Collection method: clinical testing. Allele origin: germline.
Comment: ClinVar contains an entry for this variant (Variation ID: 2010010). This variant has not been reported in the literature in individuals affected with ABCC9-related conditions. This variant is not present in population databases (gnomAD no frequency). This sequence change replaces alanine, which is neutral and non-polar, with proline, which is neutral and non-polar, at codon 238 of the ABCC9 protein (p.Ala238Pro). Advanced modeling of protein sequence and biophysical properties (such as structural, functional, and spatial information, amino acid conservation, physicochemical variation, residue mobility, and thermodynamic stability) performed at Invitae indicates that this missense variant is expected to disrupt ABCC9 protein function. In summary, the available evidence is currently insufficient to determine the role of this variant in disease. Therefore, it has been classified as a Variant of Uncertain Significance.